The following is an entry in ClinVar:

ClinVar aggregate classification (germline): Likely benign. Review status: criteria provided, multiple submitters, no conflicts (2 of 4 stars). 3 submissions from 3 submitters: Likely benign (3). Last evaluated 2025-09-03.

Allele frequency attached by ClinVar (database versions not stated): gnomAD exomes 0.00004 and 0.00011; ExAC 0.00012; 1000 Genomes Project 30x 0.00016; 1000 Genomes Project 0.00020; gnomAD 0.00044 and 0.00049; TOPMed 0.00065; ESP Exome Variant Server 0.00069.
gnomAD v4.1: 124 of 1,612,704 alleles (0.0077%); highest among the groups gnomAD compares: African/African-American, 0.15%; no homozygotes.

Submissions (3):

Labcorp Genetics (formerly Invitae), Labcorp
Classification: Likely benign. Last evaluated: 2025-09-03. Review status: criteria provided, single submitter. Criteria: Invitae Variant Classification Sherloc (09022015). Collection method: clinical testing. Allele origin: germline.

Blueprint Genetics
Classification: Likely benign. Last evaluated: 2023-03-01. Review status: criteria provided, single submitter. Criteria: ACMG Guidelines, 2015. Collection method: clinical testing. Allele origin: germline.

GeneDx
Classification: Likely benign. Last evaluated: 2017-05-01. Review status: criteria provided, single submitter. Criteria: GeneDx Variant Classification (06012015). Collection method: clinical testing. Allele origin: germline. Affected: yes.
Comment: This variant is considered likely benign or benign based on one or more of the following criteria: it is a conservative change, it occurs at a poorly conserved position in the protein, it is predicted to be benign by multiple in silico algorithms, and/or has population frequency not consistent with disease.

NM_020745.4(AARS2):c.243+19T>C

Gene: AARS2 (alanyl-tRNA synthetase 2, mitochondrial; minus strand). Cytogenetic location: 6p21.1.
Variant type: single nucleotide variant.
Coding change: c.243+19T>C on transcript NM_020745.4 (MANE Select); 19 bases into the intron after coding-DNA position 243, T replaced by C.
Molecular consequence: intron variant.
Genome position (GRCh38, 1-based): chr6:44,313,062, A>G on the plus strand (T>C on the coding strand, the complement: AARS2 is on the minus strand). VCF-style: chr6-44313062-A-G. GRCh37 (hg19) VCF-style: chr6-44280799-A-G.
Identifiers: ClinVar variation 509068 (VCV000509068.7), dbSNP rs367781252, ClinGen allele CA3834715.